The following is an entry in ClinVar:

ClinVar aggregate classification (germline): Uncertain significance (1 of 4 stars; one submission).

Allele frequency attached by ClinVar (database versions not stated): gnomAD exomes below 0.00001; ExAC 0.00001; gnomAD 0.00001; TOPMed 0.00001; ESP Exome Variant Server 0.00015.
gnomAD v4.1: 6 of 1,613,948 alleles (0.00037%); highest among the groups gnomAD compares: Middle Eastern, 0.016%; no homozygotes.

Submission:

Labcorp Genetics (formerly Invitae), Labcorp
Classification: Uncertain significance. Last evaluated: 2022-06-04. Review status: criteria provided, single submitter. Criteria: Invitae Variant Classification Sherloc (09022015). Collection method: clinical testing. Allele origin: germline.
Comment: Algorithms developed to predict the effect of missense changes on protein structure and function are either unavailable or do not agree on the potential impact of this missense change (SIFT: "Tolerated"; PolyPhen-2: "Possibly Damaging"; Align-GVGD: "Class C0"). In summary, the available evidence is currently insufficient to determine the role of this variant in disease. Therefore, it has been classified as a Variant of Uncertain Significance. This sequence change replaces glutamine, which is neutral and polar, with arginine, which is basic and polar, at codon 232 of the CCDC88A protein (p.Gln232Arg). This variant is present in population databases (rs144507962, gnomAD 0.002%). This variant has not been reported in the literature in individuals affected with CCDC88A-related conditions.

NM_001365480.1(CCDC88A):c.695A>G (p.Gln232Arg)

Gene: CCDC88A (coiled-coil and HOOK domain protein 88A; minus strand). Cytogenetic location: 2p16.1.
Variant type: single nucleotide variant.
Coding change: c.695A>G on transcript NM_001365480.1 (MANE Select); coding-DNA position 695, A replaced by G.
Protein change: p.Gln232Arg; replaces glutamine 232 with arginine.
Molecular consequence: missense variant.
Genome position (GRCh38, 1-based): chr2:55,355,684, T>C on the plus strand (A>G on the coding strand, the complement: CCDC88A is on the minus strand). VCF-style: chr2-55355684-T-C. GRCh37 (hg19) VCF-style: chr2-55582820-T-C.
Other names: c.695A>G, p.Gln232Arg (NM_001135597.2, NM_001254943.2, NM_018084.5); short protein forms Q232R.
Identifiers: ClinVar variation 1924364 (VCV001924364.5), dbSNP rs144507962, ClinGen allele CA1666316.